The following is an entry in ClinVar:

ClinVar aggregate classification (germline): Likely pathogenic (1 of 4 stars; one submission).

Conditions:
Autosomal recessive limb-girdle muscular dystrophy type 2J (LGMDR10). Also called: Limb-girdle muscular dystrophy, type 2J; MUSCULAR DYSTROPHY, LIMB-GIRDLE, AUTOSOMAL RECESSIVE 10. Identifiers: Orphanet 140922, MedGen C1837342, MONDO:0012127, OMIM 608807.
Dilated cardiomyopathy 1G (CMD1G). Identifiers: Orphanet 154, MedGen C1858763, MONDO:0011400, OMIM 604145.

Submission:

Labcorp Genetics (formerly Invitae), Labcorp
Classification: Likely pathogenic for Dilated cardiomyopathy 1G; Autosomal recessive limb-girdle muscular dystrophy type 2J. Last evaluated: 2024-06-22. Review status: criteria provided, single submitter. Criteria: Invitae Variant Classification Sherloc (09022015). Collection method: clinical testing. Allele origin: germline.
Comment: This sequence change creates a premature translational stop signal (p.Pro10877Glnfs*4) in the TTN gene. While this is not anticipated to result in nonsense mediated decay, it is expected to create a truncated TTN protein. This variant is not present in population databases (gnomAD no frequency). This variant has not been reported in the literature in individuals affected with TTN-related conditions. This variant is located in the I band of TTN (PMID: 25589632). Truncating variants in this region have been reported in individuals affected with autosomal recessive centronuclear myopathy (PMID: 23975875, Invitae internal data). Truncating variants in this region have also been identified in individuals affected with autosomal dominant dilated cardiomyopathy and/or cardio-related conditions (PMID: 27869827, 32964742, Invitae internal data). In summary, the currently available evidence indicates that the variant is pathogenic, but additional data are needed to prove that conclusively. Therefore, this variant has been classified as Likely Pathogenic.

Literature cited by the submitters: PubMed 25589632; PubMed 23975875; PubMed 27869827; PubMed 32964742.

NM_001267550.2(TTN):c.32630del (p.Pro10877fs)

Gene: TTN (titin; minus strand). Cytogenetic location: 2q31.2.
Variant type: Deletion.
Coding change: c.32630del on transcript NM_001267550.2 (MANE Select); coding-DNA position 32630, one base deleted (C; older notation c.32630delC).
Protein change: p.Pro10877fs; shifts the reading frame from proline 10877.
Molecular consequence: frameshift variant. On other transcripts: intron variant (3).
Genome position (GRCh38, 1-based): chr2:178,684,674, G deleted on the plus strand (C on the coding strand, the reverse complement: TTN is on the minus strand); the first of 3 consecutive G bases (chr2:178,684,674-178,684,676); deleting any one gives the same sequence. VCF-style (leftmost placement, unchanged base first): chr2-178684673-TG-T. GRCh37 (hg19) VCF-style: chr2-179549400-TG-T.
Other names: c.31679del, p.Pro10560fs (NM_001256850.1); c.28898del, p.Pro9633fs (NM_133378.4); c.13283-42357del (NM_003319.4); c.13859-42357del (NM_133437.4); c.13658-42357del (NM_133432.3); short protein forms P10560fs, P10877fs, P9633fs.
Identifiers: ClinVar variation 3752326 (VCV003752326.2).